The following is an entry in ClinVar:

NM_005356.5(LCK):c.161C>G (p.Ser54Cys)

Gene: LCK (LCK proto-oncogene, Src family tyrosine kinase; plus strand). Cytogenetic location: 1p35.2.
Variant type: single nucleotide variant.
Coding change: c.161C>G on transcript NM_005356.5 (MANE Select); coding-DNA position 161, C replaced by G.
Protein change: p.Ser54Cys; replaces serine 54 with cysteine.
Molecular consequence: missense variant.
Genome position (GRCh38, 1-based): chr1:32,274,792, C>G. VCF-style: chr1-32274792-C-G. GRCh37 (hg19) VCF-style: chr1-32740393-C-G.
Other names: c.161C>G, p.Ser54Cys (NM_001042771.3, NM_001330468.2); short protein forms S54C.
Identifiers: ClinVar variation 541836 (VCV000541836.15), dbSNP rs147431889, ClinGen allele CA740998.
Genomic context (GRCh38, chr1:32,274,792, plus strand): 5'-CACAGCTGCTCATCCGAAATGGCTCTGAGGTGCGGGACCCACTGGTTACCTACGAAGGCT[C>G]CAATCCGCCGGCTTCCCCACTGCAAGGTGACCCCAGGCAGCAGGGCCTGAAAGACAAGGC-3'
Protein context (NP_005347.3, residues 44-64): VRDPLVTYEG[Ser54Cys]NPPASPLQDN

ClinVar aggregate classification (germline): Benign/Likely benign. Review status: criteria provided, multiple submitters, no conflicts (2 of 4 stars). 4 submissions from 4 submitters: Benign (2); Likely benign (2). Last evaluated 2026-01-29.

Conditions:
Severe combined immunodeficiency due to LCK deficiency. Also called: Immunodeficiency 22. Identifiers: Orphanet 280142, MedGen C4014233, MONDO:0014334, OMIM 615758.

Allele frequency attached by ClinVar (database versions not stated): gnomAD exomes 0.00031 and 0.00086; ExAC 0.00104; ESP Exome Variant Server 0.00300; gnomAD 0.00357 and 0.00379; 1000 Genomes Project 30x 0.00437; TOPMed 0.00445; 1000 Genomes Project 0.00459.
gnomAD v4.1: 1,032 of 1,613,434 alleles (0.064%); highest among the groups gnomAD compares: African/African-American, 1.1%; 4 homozygotes.

Submissions (4):

Women's Health and Genetics/Laboratory Corporation of America, LabCorp
Classification: Likely benign. Last evaluated: 2026-01-29. Review status: criteria provided, single submitter. Criteria: LabCorp Variant Classification Summary - May 2015. Collection method: clinical testing. Allele origin: germline.
Comment: Variant summary: LCK c.161C>G (p.Ser54Cys) results in a non-conservative amino acid change in the encoded protein sequence. Algorithms developed to predict the effect of missense changes on protein structure and function are either unavailable or do not agree on the potential impact of this missense change. The variant allele was found at a frequency of 0.00086 in 250826 control chromosomes, predominantly at a frequency of 0.01 within the African or African-American subpopulation in the gnomAD database, including 1 homozygotes. The observed variant frequency within African or African-American control individuals in the gnomAD database exceeds the estimated maximal expected allele frequency for disease-causing variants in LCK. To our knowledge, no occurrence of c.161C>G in individuals affected with LCK-related conditions and no experimental evidence demonstrating its impact on protein function have been reported. ClinVar contains an entry for this variant (Variation ID: 541836). Based on the evidence outlined above, the variant was classified as likely benign.

Labcorp Genetics (formerly Invitae), Labcorp
Classification: Benign for Severe combined immunodeficiency due to LCK deficiency. Last evaluated: 2026-01-27. Review status: criteria provided, single submitter. Criteria: Invitae Variant Classification Sherloc (09022015). Collection method: clinical testing. Allele origin: germline.

Blueprint Genetics
Classification: Likely benign. Last evaluated: 2024-11-06. Review status: criteria provided, single submitter. Criteria: ACMG Guidelines, 2015. Collection method: clinical testing. Allele origin: germline.

Breakthrough Genomics
Classification: Benign. Review status: criteria provided, single submitter. Criteria: ACMG Guidelines, 2015. Collection method: not provided. Allele origin: germline. Inheritance: Autosomal recessive inheritance. Affected: yes.